The following is an entry in ClinVar:

ClinVar aggregate classification (germline): Conflicting classifications of pathogenicity. Review status: criteria provided, conflicting classifications (1 of 4 stars). 5 submissions from 5 submitters: Uncertain significance (3); Likely benign (1). 1 of the submissions does not count toward it. Last evaluated 2026-02-02.

Conditions:
CAVIN1-related disorder. Also called: CAVIN1-related condition.
Monogenic diabetes. Identifiers: Orphanet 183625, MedGen C3888631, MONDO:0015967.
Congenital generalized lipodystrophy type 4. Also called: BERARDINELLI-SEIP CONGENITAL LIPODYSTROPHY, TYPE 4, WITH MUSCULAR DYSTROPHY. Identifiers: Orphanet 228429, MedGen C2750069, MONDO:0013225, OMIM 613327.

Allele frequency attached by ClinVar (database versions not stated): gnomAD exomes 0.00022; ExAC 0.00036; ESP Exome Variant Server 0.00096; gnomAD 0.00099 and 0.00106; TOPMed 0.00126; 1000 Genomes Project 30x 0.00141; 1000 Genomes Project 0.00160.
gnomAD v4.1: 322 of 1,611,430 alleles (0.02%); highest among the groups gnomAD compares: African/African-American, 0.29%; 1 homozygote.

Submissions (5):

Labcorp Genetics (formerly Invitae), Labcorp
Classification: Likely benign. Last evaluated: 2026-02-02. Review status: criteria provided, single submitter. Criteria: Invitae Variant Classification Sherloc (09022015). Collection method: clinical testing. Allele origin: germline.

Ambry Genetics
Classification: Uncertain significance. Last evaluated: 2023-09-29. Review status: criteria provided, single submitter. Criteria: Ambry Variant Classification Scheme 2023. Collection method: clinical testing. Allele origin: germline.

Revvity Omics, Revvity
Classification: Uncertain significance for Congenital generalized lipodystrophy type 4. Last evaluated: 2020-02-19. Review status: criteria provided, single submitter. Criteria: ACMG Guidelines, 2015. Collection method: clinical testing. Allele origin: germline.

Personalized Diabetes Medicine Program, University of Maryland School of Medicine
Classification: Uncertain significance for Monogenic diabetes. Last evaluated: 2017-02-17. Review status: criteria provided, single submitter. Criteria: ACMG Guidelines, 2015. Collection method: research. Allele origin: unknown. Observed: 1 variant allele, 1 heterozygote. Study: Personalized Diabetes Medicine Program.
Comment: ACMG Criteria:BP4 (9 predictors)

PreventionGenetics, part of Exact Sciences
Classification: Likely benign for CAVIN1-related condition. Last evaluated: 2020-10-27. Review status: no assertion criteria provided. Collection method: clinical testing. Allele origin: germline. Not counted in ClinVar's aggregate classification.
Comment: This variant is classified as likely benign based on ACMG/AMP sequence variant interpretation guidelines (Richards et al. 2015 PMID: 25741868, with internal and published modifications).

NM_012232.6(CAVIN1):c.65C>T (p.Pro22Leu)

Gene: CAVIN1 (caveolae associated protein 1; minus strand). Cytogenetic location: 17q21.2.
Variant type: single nucleotide variant.
Coding change: c.65C>T on transcript NM_012232.6 (MANE Select); coding-DNA position 65, C replaced by T.
Protein change: p.Pro22Leu; replaces proline 22 with leucine.
Molecular consequence: missense variant.
Genome position (GRCh38, 1-based): chr17:42,423,033, G>A on the plus strand (C>T on the coding strand, the complement: CAVIN1 is on the minus strand). VCF-style: chr17-42423033-G-A. GRCh37 (hg19) VCF-style: chr17-40575051-G-A.
Other names: short protein forms P22L.
Identifiers: ClinVar variation 549548 (VCV000549548.14), dbSNP rs61729285, ClinGen allele CA8575950.
Genomic context (GRCh38, chr17:42,423,033, plus strand): 5'-TCTTCTGAGCCGGCCCCCGACGGCTCCTCCGCTGCCTGAGCCCCAGCGGAGGAAGGCTCC[G>A]GGGCCTCGGCGTCGGGGTACCCGGGAAGCGGCCGCTCGACAATATAGAGCGTGGGGTCCT-3'
Protein context (NP_036364.2, residues 12-32): PLPGYPDAEA[Pro22Leu]EPSSAGAQAA